The following is an entry in ClinVar:

NM_001366385.1(CARD14):c.349+2T>C

Gene: CARD14 (caspase recruitment domain family member 14; plus strand). Cytogenetic location: 17q25.3.
Variant type: single nucleotide variant.
Coding change: c.349+2T>C on transcript NM_001366385.1 (MANE Select); the canonical splice donor site of the intron after coding-DNA position 349, T replaced by C.
Molecular consequence: splice donor variant.
Genome position (GRCh38, 1-based): chr17:80,182,792, T>C. VCF-style: chr17-80182792-T-C. GRCh37 (hg19) VCF-style: chr17-78156591-T-C.
Other names: c.349+2T>C (NM_024110.4, NM_001257970.1).
Identifiers: ClinVar variation 3756582 (VCV003756582.2).
Genomic context (GRCh38, chr17:80,182,792, plus strand): 5'-TGACGTCTACACCCTGGTCACCGGGCTGCAGCCTGATGTTGACTTCAGTAACTTTAGCGG[T>C]GAGAGCTCCGACTTTGACGGTTTGGCAGGCACTTCTAGGAACCTCAGGCTCCTGGTAACC-3'

ClinVar aggregate classification (germline): Pathogenic (1 of 4 stars; one submission).

Conditions:
Pityriasis rubra pilaris (PRP). Also called: Pityriasis rubra pilaris--familial type. Identifiers: Orphanet 2897, MedGen C0032027, MONDO:0100017, OMIM 173200, MONDO:0008251.
Psoriasis 2. Identifiers: MedGen C1864497, MONDO:0011269, OMIM 602723.

Submission:

Labcorp Genetics (formerly Invitae), Labcorp
Classification: Pathogenic for Pityriasis rubra pilaris; Psoriasis 2. Last evaluated: 2025-01-27. Review status: criteria provided, single submitter. Criteria: Invitae Variant Classification Sherloc (09022015). Collection method: clinical testing. Allele origin: germline.
Comment: This sequence change affects a donor splice site in intron 3 of the CARD14 gene. It is expected to disrupt RNA splicing. Variants that disrupt the donor or acceptor splice site typically lead to a loss of protein function (PMID: 16199547), however the current clinical and genetic evidence is not sufficient to establish whether loss-of-function variants in CARD14 cause disease. This variant is not present in population databases (gnomAD no frequency). Disruption of this splice site has been observed in individual(s) with clinical features of pityriasis rubra pilaris and psoriasis (PMID: 22703878, 28295164; internal data). It has also been observed to segregate with disease in related individuals. Algorithms developed to predict the effect of sequence changes on RNA splicing suggest that this variant may disrupt the consensus splice site. For these reasons, this variant has been classified as Pathogenic.

Literature cited by the submitters: PubMed 16199547; PubMed 22703878; PubMed 28295164.